The following is an entry in ClinVar:

NM_006907.4(PYCR1):c.790C>T (p.Arg264Cys)

Gene: PYCR1 (pyrroline-5-carboxylate reductase 1; minus strand). Cytogenetic location: 17q25.3.
Variant type: single nucleotide variant.
Coding change: c.790C>T on transcript NM_006907.4 (MANE Select); coding-DNA position 790, C replaced by T.
Protein change: p.Arg264Cys; replaces arginine 264 with cysteine.
Molecular consequence: missense variant. On other transcripts: intron variant (1).
Genome position (GRCh38, 1-based): chr17:81,934,333, G>A on the plus strand (C>T on the coding strand, the complement: PYCR1 is on the minus strand). VCF-style: chr17-81934333-G-A. GRCh37 (hg19) VCF-style: chr17-79892209-G-A.
Other names: c.697C>T, p.Arg233Cys (NM_001282279.2); c.790C>T, p.Arg264Cys (NM_001282280.2, NM_153824.3); c.871C>T, p.Arg291Cys (NM_001282281.2); c.633+320C>T (NM_001330523.2); short protein forms R291C, R233C, R264C.
Identifiers: ClinVar variation 1441203 (VCV001441203.8), dbSNP rs770539885, ClinGen allele CA8845319.
Genomic context (GRCh38, chr17:81,934,333, plus strand): 5'-CCTCTGCCATGCAAGGACTGGAGACCAGGGAAGCGGGCAGCGCGGGGGCCCACCGTGTGC[G>A]GATGCAGGAGGCCTCCACAGCGTTGATGAGCAGGGAGCGGAAGCCCCCACTCTCCAGCAC-3'
Protein context (NP_008838.2, residues 254-274): LINAVEASCI[Arg264Cys]TRELQSMADQ

ClinVar aggregate classification (germline): Uncertain significance. Review status: criteria provided, multiple submitters, no conflicts (2 of 4 stars). 4 submissions from 4 submitters: Uncertain significance (4). Last evaluated 2025-09-22.

Conditions:
Inborn genetic diseases. Identifiers: MedGen C0950123, MeSH D030342.
PYCR1-related de Barsy syndrome. Also called: CUTIS LAXA, AUTOSOMAL RECESSIVE, TYPE IIIB; DE BARSY SYNDROME B. Identifiers: Orphanet 293633, Orphanet 2962, MedGen C3280799, MONDO:0013755, OMIM 614438.
Autosomal recessive cutis laxa type 2B (ARCL2B). Also called: CUTIS LAXA, AUTOSOMAL RECESSIVE, TYPE IIB; CUTIS LAXA WITH PROGEROID FEATURES. Identifiers: Orphanet 357064, MedGen C2751987, MONDO:0013051, OMIM 612940. Disease mechanism: loss of function.

Allele frequency attached by ClinVar (database versions not stated): gnomAD exomes 0.00003 and 0.00006; gnomAD 0.00001 and 0.00002; TOPMed 0.00001; ExAC 0.00004.
gnomAD v4.1: 42 of 1,612,708 alleles (0.0026%); highest among the groups gnomAD compares: Admixed American, 0.02%; no homozygotes.

Submissions (4):

Ambry Genetics
Classification: Uncertain significance for Inborn genetic diseases. Last evaluated: 2025-09-22. Review status: criteria provided, single submitter. Criteria: Ambry Variant Classification Scheme 2023. Collection method: clinical testing. Allele origin: germline.

GeneDx
Classification: Uncertain significance. Last evaluated: 2022-12-09. Review status: criteria provided, single submitter. Criteria: GeneDx Variant Classification Process June 2021. Collection method: clinical testing. Allele origin: germline. Affected: yes.
Comment: In silico analysis supports that this missense variant has a deleterious effect on protein structure/function; Has not been previously published as pathogenic or benign to our knowledge

Labcorp Genetics (formerly Invitae), Labcorp
Classification: Uncertain significance. Last evaluated: 2022-12-06. Review status: criteria provided, single submitter. Criteria: Invitae Variant Classification Sherloc (09022015). Collection method: clinical testing. Allele origin: germline.
Comment: Advanced modeling of protein sequence and biophysical properties (such as structural, functional, and spatial information, amino acid conservation, physicochemical variation, residue mobility, and thermodynamic stability) performed at Invitae indicates that this missense variant is expected to disrupt PYCR1 protein function. ClinVar contains an entry for this variant (Variation ID: 1441203). This variant has not been reported in the literature in individuals affected with PYCR1-related conditions. The frequency data for this variant in the population databases is considered unreliable, as metrics indicate poor data quality at this position in the gnomAD database. This sequence change replaces arginine, which is basic and polar, with cysteine, which is neutral and slightly polar, at codon 264 of the PYCR1 protein (p.Arg264Cys). In summary, the available evidence is currently insufficient to determine the role of this variant in disease. Therefore, it has been classified as a Variant of Uncertain Significance.

Fulgent Genetics
Classification: Uncertain significance for Autosomal recessive cutis laxa type 2B; PYCR1-related de Barsy syndrome. Last evaluated: 2022-02-10. Review status: criteria provided, single submitter. Criteria: ACMG Guidelines, 2015. Collection method: clinical testing. Allele origin: unknown.